The following is an entry in ClinVar:

NM_001267550.2(TTN):c.96535G>A (p.Val32179Met)

Genes: TTN-AS1 (TTN antisense RNA 1; plus strand), TTN (titin; minus strand), LOC126806421 (CDK7 strongly-dependent group 2 enhancer GRCh37_chr2:179407630-179408829; plus strand). Cytogenetic location: 2q31.2.
Variant type: single nucleotide variant.
Coding change: c.96535G>A on transcript NM_001267550.2 (MANE Select); coding-DNA position 96535, G replaced by A.
Protein change: p.Val32179Met; replaces valine 32179 with methionine.
Molecular consequence: missense variant.
Genome position (GRCh38, 1-based): chr2:178,543,438, C>T on the plus strand (G>A on the coding strand, the complement: TTN is on the minus strand). VCF-style: chr2-178543438-C-T. GRCh37 (hg19) VCF-style: chr2-179408165-C-T.
Other names: c.91612G>A, p.Val30538Met (NM_001256850.1); c.69340G>A, p.Val23114Met (NM_003319.4); c.69715G>A, p.Val23239Met (NM_133432.3); c.69916G>A, p.Val23306Met (NM_133437.4); c.88831G>A, p.Val29611Met (NM_133378.4); short protein forms V29611M, V32179M, V23239M, V23306M, V30538M, V23114M.
Identifiers: ClinVar variation 179725 (VCV000179725.7), dbSNP rs727505082, ClinGen allele CA185000.

ClinVar aggregate classification (germline): Conflicting classifications of pathogenicity. Review status: criteria provided, conflicting classifications (1 of 4 stars). 4 submissions from 4 submitters: Uncertain significance (3); Likely benign (1). Last evaluated 2025-04-24.

Conditions:
TTN-related disorder. Also called: TTN-related condition; TTN-related disease; TTN-related disorders.

Allele frequency attached by ClinVar (database versions not stated): gnomAD exomes 0.00001.
gnomAD v4.1: 15 of 1,613,790 alleles (0.00093%); highest among the groups gnomAD compares: Non-Finnish European, 0.0013%; no homozygotes.

Submissions (4):

PreventionGenetics, part of Exact Sciences
Classification: Uncertain significance for TTN-related condition. Last evaluated: 2025-04-24. Review status: criteria provided, single submitter. Criteria: ACMG Guidelines, 2015. Collection method: clinical testing. Allele origin: germline.
Comment: The TTN c.96535G>A variant is predicted to result in the amino acid substitution p.Val32179Met. To our knowledge, this variant has not been reported in the literature. This variant is reported in 0.0018% of alleles in individuals of European (Non-Finnish) descent in gnomAD. At this time, the clinical significance of this variant is uncertain due to the absence of conclusive functional and genetic evidence.

Blueprint Genetics
Classification: Likely benign. Last evaluated: 2023-02-10. Review status: criteria provided, single submitter. Criteria: ACMG Guidelines, 2015. Collection method: clinical testing. Allele origin: germline.

AiLife Diagnostics
Classification: Uncertain significance. Last evaluated: 2022-01-09. Review status: criteria provided, single submitter. Criteria: ACMG Guidelines, 2015. Collection method: clinical testing. Allele origin: germline. Affected: yes. Observed: 1 variant allele.

Laboratory for Molecular Medicine, Mass General Brigham Personalized Medicine
Classification: Uncertain significance. Last evaluated: 2014-04-03. Review status: criteria provided, single submitter. Criteria: LMM Criteria. Collection method: clinical testing. Allele origin: germline. Observed: 1 variant allele.
Comment: The Val29611Met variant in TTN has not been previously reported in individuals w ith cardiomyopathy or in large population studies. Computational prediction tool s and conservation analysis suggest that this variant may impact the protein, th ough this information is not predictive enough to determine pathogenicity. Addit ional information is needed to fully assess the clinical significance of the Val 29611Met variant.